The following is an entry in ClinVar:

ClinVar aggregate classification (germline): Uncertain significance (1 of 4 stars; one submission).

Conditions:
Hereditary cancer-predisposing syndrome. Also called: Hereditary Cancer Syndrome; Hereditary neoplastic syndrome; Neoplastic Syndromes, Hereditary; Tumor predisposition. Identifiers: Orphanet 140162, MedGen C0027672, MeSH D009386, MONDO:0015356.

Submission:

Ambry Genetics
Classification: Uncertain significance for Hereditary cancer-predisposing syndrome. Last evaluated: 2022-10-07. Review status: criteria provided, single submitter. Criteria: Ambry Variant Classification Scheme 2023. Collection method: clinical testing. Allele origin: germline.
Comment: The p.A461V variant (also known as c.1382C>T), located in coding exon 13 of the NF2 gene, results from a C to T substitution at nucleotide position 1382. The alanine at codon 461 is replaced by valine, an amino acid with similar properties. This amino acid position is conserved. In addition, this alteration is predicted to be deleterious by in silico analysis. Since supporting evidence is limited at this time, the clinical significance of this alteration remains unclear.

NM_000268.4(NF2):c.1382C>T (p.Ala461Val)

Gene: NF2 (NF2, moesin-ezrin-radixin like (MERLIN) tumor suppressor; plus strand). Cytogenetic location: 22q12.2.
Variant type: single nucleotide variant.
Coding change: c.1382C>T on transcript NM_000268.4 (MANE Select); coding-DNA position 1382, C replaced by T.
Protein change: p.Ala461Val; replaces alanine 461 with valine.
Molecular consequence: missense variant. On other transcripts: non-coding transcript variant (1), intron variant (1).
Genome position (GRCh38, 1-based): chr22:29,674,877, C>T. VCF-style: chr22-29674877-C-T. GRCh37 (hg19) VCF-style: chr22-30070866-C-T.
Other names: c.1268C>T, p.Ala423Val (NM_001407053.1, NM_001407056.1); c.1259C>T, p.Ala420Val (NM_001407054.1, NM_001407058.1, NM_181829.3); c.1256C>T, p.Ala419Val (NM_001407055.1, NM_181828.3); c.1247C>T, p.Ala416Val (NM_001407057.1, NM_001407059.1); c.1382C>T, p.Ala461Val (NM_001407060.1, NM_001407066.1, NM_016418.5 and 2 more transcripts); c.1124C>T, p.Ala375Val (NM_001407062.1); c.1133C>T, p.Ala378Val (NM_001407063.1, NM_001407064.1, NM_181830.3 and 1 more transcripts); c.848C>T, p.Ala283Val (NM_001407065.1); and 2 more; short protein forms A378V, A384V, A420V, A461V, A283V, A375V, A416V, A419V.
Identifiers: ClinVar variation 1771320 (VCV001771320.2), dbSNP rs2147092740, ClinGen allele CA411148976.